The following is an entry in ClinVar:

NM_152618.3(BBS12):c.906C>T (p.Gly302=)

Gene: BBS12 (Bardet-Biedl syndrome 12; plus strand). Cytogenetic location: 4q27.
Variant type: single nucleotide variant.
Coding change: c.906C>T on transcript NM_152618.3 (MANE Select); coding-DNA position 906, C replaced by T.
Protein change: p.Gly302=; no amino-acid change (glycine 302 retained).
Molecular consequence: synonymous variant.
Genome position (GRCh38, 1-based): chr4:122,742,798, C>T. VCF-style: chr4-122742798-C-T. GRCh37 (hg19) VCF-style: chr4-123663953-C-T.
Other names: c.906C>T, p.Gly302= (NM_001178007.2); c.906C>T (NM_152618.2).
Identifiers: ClinVar variation 1497565 (VCV001497565.11), dbSNP rs557013132, ClinGen allele CA3069347.

ClinVar aggregate classification (germline): Likely benign. Review status: criteria provided, multiple submitters, no conflicts (2 of 4 stars). 3 submissions from 3 submitters: Likely benign (2). 1 of the submissions does not count toward it. Last evaluated 2024-11-14.

Conditions:
BBS12-related disorder. Also called: BBS12-related condition.
Bardet-Biedl syndrome (BBS). Identifiers: Orphanet 110, MedGen C0752166, MONDO:0015229.

Allele frequency attached by ClinVar (database versions not stated): 1000 Genomes Project 30x 0.00016; 1000 Genomes Project 0.00020.
gnomAD v4.1: 12 of 1,614,200 alleles (0.00074%); highest among the groups gnomAD compares: African/African-American, 0.0067%; no homozygotes.

Submissions (3):

Labcorp Genetics (formerly Invitae), Labcorp
Classification: Likely benign for Bardet-Biedl syndrome. Last evaluated: 2024-11-14. Review status: criteria provided, single submitter. Criteria: Invitae Variant Classification Sherloc (09022015). Collection method: clinical testing. Allele origin: germline.

Blueprint Genetics
Classification: Likely benign. Last evaluated: 2022-11-09. Review status: criteria provided, single submitter. Criteria: ACMG Guidelines, 2015. Collection method: clinical testing. Allele origin: germline.

PreventionGenetics, part of Exact Sciences
Classification: Likely benign for BBS12-related condition. Last evaluated: 2023-08-03. Review status: no assertion criteria provided. Collection method: clinical testing. Allele origin: germline. Not counted in ClinVar's aggregate classification.
Comment: This variant is classified as likely benign based on ACMG/AMP sequence variant interpretation guidelines (Richards et al. 2015 PMID: 25741868, with internal and published modifications).